The following is an entry in ClinVar:

NM_152468.5(TMC8):c.1615C>T (p.Leu539Phe)

Gene: TMC8 (transmembrane channel like 8; plus strand). Cytogenetic location: 17q25.3.
Variant type: single nucleotide variant.
Coding change: c.1615C>T on transcript NM_152468.5 (MANE Select); coding-DNA position 1615, C replaced by T.
Protein change: p.Leu539Phe; replaces leucine 539 with phenylalanine.
Molecular consequence: missense variant.
Genome position (GRCh38, 1-based): chr17:78,138,430, C>T. VCF-style: chr17-78138430-C-T. GRCh37 (hg19) VCF-style: chr17-76134511-C-T.
Other names: short protein forms L539F.
Identifiers: ClinVar variation 1423851 (VCV001423851.7), dbSNP rs1351153068, ClinGen allele CA401251446.
Genomic context (GRCh38, chr17:78,138,430, plus strand): 5'-AGGGCATCTTCGCGGCCCTTCCGTGCCTCCAGCTCCACCTTCTTCTTCCAGCTAGTGCTC[C>T]TCCTGGGCCTGCTTCTGGCTGCAGTGCCCCTGGGCTATGTGGTCAGCAGGTGAGGGGAAG-3'
Protein context (NP_689681.2, residues 529-549): SSTFFFQLVL[Leu539Phe]LGLLLAAVPL

ClinVar aggregate classification (germline): Uncertain significance (1 of 4 stars; one submission).

Conditions:
Epidermodysplasia verruciformis. Identifiers: Orphanet 302, MedGen C0014522, MONDO:0009176.

Allele frequency attached by ClinVar (database versions not stated): gnomAD exomes below 0.00001 and 0.00001; gnomAD 0.00001; TOPMed 0.00001.
gnomAD v4.1: 4 of 1,613,030 alleles (0.00025%); highest among the groups gnomAD compares: Non-Finnish European, 0.00034%; no homozygotes.

Submission:

Labcorp Genetics (formerly Invitae), Labcorp
Classification: Uncertain significance for Epidermodysplasia verruciformis. Last evaluated: 2023-12-07. Review status: criteria provided, single submitter. Criteria: Invitae Variant Classification Sherloc (09022015). Collection method: clinical testing. Allele origin: germline.
Comment: This sequence change replaces leucine, which is neutral and non-polar, with phenylalanine, which is neutral and non-polar, at codon 539 of the TMC8 protein (p.Leu539Phe). This variant is present in population databases (no rsID available, gnomAD 0.003%). This variant has not been reported in the literature in individuals affected with TMC8-related conditions. ClinVar contains an entry for this variant (Variation ID: 1423851). Advanced modeling of protein sequence and biophysical properties (such as structural, functional, and spatial information, amino acid conservation, physicochemical variation, residue mobility, and thermodynamic stability) performed at Invitae indicates that this missense variant is not expected to disrupt TMC8 protein function with a negative predictive value of 80%. In summary, the available evidence is currently insufficient to determine the role of this variant in disease. Therefore, it has been classified as a Variant of Uncertain Significance.